The following is an entry in ClinVar:

ClinVar aggregate classification (germline): Likely benign. Review status: criteria provided, multiple submitters, no conflicts (2 of 4 stars). 5 submissions from 5 submitters: Likely benign (5). Last evaluated 2025-09-25.

Conditions:
Familial thoracic aortic aneurysm and aortic dissection (TAAD). Also called: Thoracic aortic aneurysms and dissections. Identifiers: Orphanet 91387, MedGen C4707243, MONDO:0019625.
Aortic aneurysm, familial thoracic 4 (AAT4). Also called: AORTIC ANEURYSM/AORTIC DISSECTION AND PATENT DUCTUS ARTERIOSUS. Identifiers: MedGen C1851504, MONDO:0007568, OMIM 132900.

Allele frequency attached by ClinVar (database versions not stated): ExAC 0.00001; gnomAD 0.00001; gnomAD exomes 0.00001 and 0.00002.
gnomAD v4.1: 26 of 1,613,920 alleles (0.0016%); highest among the groups gnomAD compares: Admixed American, 0.0033%; no homozygotes.

Submissions (5):

Labcorp Genetics (formerly Invitae), Labcorp
Classification: Likely benign for Aortic aneurysm, familial thoracic 4. Last evaluated: 2025-09-25. Review status: criteria provided, single submitter. Criteria: Invitae Variant Classification Sherloc (09022015). Collection method: clinical testing. Allele origin: germline.

All of Us Research Program, National Institutes of Health
Classification: Likely benign for Familial thoracic aortic aneurysm and aortic dissection. Last evaluated: 2023-11-30. Review status: criteria provided, single submitter. Criteria: ACMG Guidelines, 2015. Collection method: clinical testing. Allele origin: germline. Inheritance: Autosomal dominant inheritance. Observed: 4 variant alleles, 4 heterozygotes.
Comment: This study involves interpretation of variants in research participants for the purpose of population health screening. Participant phenotype was not available at the time of variant classification. Additional details can be found in publication PMID: 35346344, PMCID: PMC8962531

Ambry Genetics
Classification: Likely benign for Familial thoracic aortic aneurysm and aortic dissection. Last evaluated: 2023-09-05. Review status: criteria provided, single submitter. Criteria: Ambry Variant Classification Scheme 2023. Collection method: clinical testing. Allele origin: germline.

Color Diagnostics, LLC DBA Color Health
Classification: Likely benign for Familial thoracic aortic aneurysm and aortic dissection. Last evaluated: 2019-03-19. Review status: criteria provided, single submitter. Criteria: ACMG Guidelines, 2015. Collection method: clinical testing. Allele origin: germline.

CHEO Genetics Diagnostic Laboratory, Children's Hospital of Eastern Ontario
Classification: Likely benign for Familial thoracic aortic aneurysm and aortic dissection. Last evaluated: 2018-06-14. Review status: criteria provided, single submitter. Criteria: ACMG Guidelines, 2015. Collection method: clinical testing. Allele origin: germline.

NM_002474.3(MYH11):c.27C>T (p.Asp9=)

Gene: MYH11 (myosin heavy chain 11; minus strand). Cytogenetic location: 16p13.11.
Variant type: single nucleotide variant.
Coding change: c.27C>T on transcript NM_002474.3 (MANE Select); coding-DNA position 27, C replaced by T.
Protein change: p.Asp9=; no amino-acid change (aspartic acid 9 retained).
Molecular consequence: synonymous variant.
Genome position (GRCh38, 1-based): chr16:15,838,226, G>A on the plus strand (C>T on the coding strand, the complement: MYH11 is on the minus strand). VCF-style: chr16-15838226-G-A. GRCh37 (hg19) VCF-style: chr16-15932083-G-A.
Other names: c.27C>T (NM_002474.2); c.27C>T, p.Asp9= (NM_001040113.2, NM_001040114.2, NM_022844.3).
Identifiers: ClinVar variation 915560 (VCV000915560.15), dbSNP rs769179119, ClinGen allele CA7923133.